The following is an entry in ClinVar:

ClinVar aggregate classification (germline): Likely pathogenic (1 of 4 stars; one submission).

Conditions:
Dilated cardiomyopathy 1G (CMD1G). Identifiers: Orphanet 154, MedGen C1858763, MONDO:0011400, OMIM 604145.
Autosomal recessive limb-girdle muscular dystrophy type 2J (LGMDR10). Also called: Limb-girdle muscular dystrophy, type 2J; MUSCULAR DYSTROPHY, LIMB-GIRDLE, AUTOSOMAL RECESSIVE 10. Identifiers: Orphanet 140922, MedGen C1837342, MONDO:0012127, OMIM 608807.

Submission:

Labcorp Genetics (formerly Invitae), Labcorp
Classification: Likely pathogenic for Dilated cardiomyopathy 1G; Autosomal recessive limb-girdle muscular dystrophy type 2J. Last evaluated: 2022-02-05. Review status: criteria provided, single submitter. Criteria: Invitae Variant Classification Sherloc (09022015). Collection method: clinical testing. Allele origin: germline.
Comment: In summary, the currently available evidence indicates that the variant is pathogenic, but additional data are needed to prove that conclusively. Therefore, this variant has been classified as Likely Pathogenic. This variant is located in the A band of TTN (PMID: 25589632). Truncating variants in this region are significantly overrepresented in patients affected with dilated cardiomyopathy (PMID: 25589632). Truncating variants in this region have also been reported in individuals affected with autosomal recessive centronuclear myopathy (PMID: 23975875). ClinVar contains an entry for this variant (Variation ID: 1067713). This variant has not been reported in the literature in individuals affected with TTN-related conditions. This variant is not present in population databases (gnomAD no frequency). This sequence change creates a premature translational stop signal (p.Arg20433Glyfs*5) in the TTN gene. While this is not anticipated to result in nonsense mediated decay, it is expected to create a truncated TTN protein.

Literature cited by the submitters: PubMed 25589632; PubMed 23975875.

NM_001267550.2(TTN):c.61297del (p.Arg20433fs)

Genes: TTN-AS1 (TTN antisense RNA 1; plus strand), TTN (titin; minus strand). Cytogenetic location: 2q31.2.
Variant type: Deletion.
Coding change: c.61297del on transcript NM_001267550.2 (MANE Select); coding-DNA position 61297, one base deleted (A; older notation c.61297delA).
Protein change: p.Arg20433fs; shifts the reading frame from arginine 20433.
Molecular consequence: frameshift variant.
Genome position (GRCh38, 1-based): chr2:178,590,428, T deleted on the plus strand (A on the coding strand, the reverse complement: TTN is on the minus strand). VCF-style (leftmost placement, unchanged base first): chr2-178590427-CT-C. GRCh37 (hg19) VCF-style: chr2-179455154-CT-C.
Other names: c.56374del, p.Arg18792fs (NM_001256850.1); c.34102del, p.Arg11368fs (NM_003319.4); c.53593del, p.Arg17865fs (NM_133378.4); c.34477del, p.Arg11493fs (NM_133432.3); c.34678del, p.Arg11560fs (NM_133437.4); short protein forms R11368fs, R11493fs, R11560fs, R17865fs, R18792fs, R20433fs.
Identifiers: ClinVar variation 1067713 (VCV001067713.9), dbSNP rs2154184377, ClinGen allele CA2499215402.